The following is an entry in ClinVar:

NM_001379451.1(BCORL1):c.3350A>G (p.Lys1117Arg)

Gene: BCORL1 (BCL6 corepressor like 1; plus strand). Cytogenetic location: Xq26.1.
Variant type: single nucleotide variant.
Coding change: c.3350A>G on transcript NM_001379451.1 (MANE Select); coding-DNA position 3350, A replaced by G.
Protein change: p.Lys1117Arg; replaces lysine 1117 with arginine.
Molecular consequence: missense variant.
Genome position (GRCh38, 1-based): chrX:130,016,122, A>G. VCF-style: chrX-130016122-A-G. GRCh37 (hg19) VCF-style: chrX-129150098-A-G.
Other names: c.3350A>G, p.Lys1117Arg (NM_001184772.3, NM_001379450.1, NM_021946.5); short protein forms K1117R.
Identifiers: ClinVar variation 2358866 (VCV002358866.4), dbSNP rs776500693, ClinGen allele CA10514479.

ClinVar aggregate classification (germline): Conflicting classifications of pathogenicity. Review status: criteria provided, conflicting classifications (1 of 4 stars). 2 submissions from 2 submitters: Uncertain significance (1); Likely benign (1). Last evaluated 2026-06-01.

Allele frequency attached by ClinVar (database versions not stated): gnomAD 0.00005; gnomAD exomes 0.00009; TOPMed 0.00009; ExAC 0.00010.
gnomAD v4.1: 44 of 1,209,399 alleles (0.0036%); highest among the groups gnomAD compares: Admixed American, 0.092%; no homozygotes.

Submissions (2):

CeGaT Center for Human Genetics Tuebingen
Classification: Likely benign. Last evaluated: 2026-06-01. Review status: criteria provided, single submitter. Criteria: CeGaT Center For Human Genetics Tuebingen Variant Classification Criteria Version 2. Collection method: clinical testing. Allele origin: germline. Affected: yes. Observed: 2 variant alleles.
Comment: BCORL1: BP4, BS2

Ambry Genetics
Classification: Uncertain significance. Last evaluated: 2021-12-08. Review status: criteria provided, single submitter. Criteria: Ambry Variant Classification Scheme 2023. Collection method: clinical testing. Allele origin: germline.